The following is an entry in ClinVar:

ClinVar aggregate classification (germline): Uncertain significance (1 of 4 stars; one submission).

Conditions:
Diffuse cerebral and cerebellar atrophy - intractable seizures - progressive microcephaly syndrome. Also called: Microcephaly, progressive, with seizures and cerebral and cerebellar atrophy. Identifiers: Orphanet 404437, MedGen C4014239, MONDO:0014335, OMIM 615760.

Allele frequency attached by ClinVar (database versions not stated): gnomAD exomes below 0.00001; TOPMed 0.00002; gnomAD 0.00003 and 0.00004.
gnomAD v4.1: 15 of 1,614,054 alleles (0.00093%); highest among the groups gnomAD compares: Middle Eastern, 0.016%; no homozygotes.

Submission:

Labcorp Genetics (formerly Invitae), Labcorp
Classification: Uncertain significance for Diffuse cerebral and cerebellar atrophy - intractable seizures - progressive microcephaly syndrome. Last evaluated: 2022-08-23. Review status: criteria provided, single submitter. Criteria: Invitae Variant Classification Sherloc (09022015). Collection method: clinical testing. Allele origin: germline.
Comment: This sequence change replaces arginine, which is basic and polar, with glutamine, which is neutral and polar, at codon 576 of the QARS protein (p.Arg576Gln). This variant is present in population databases (no rsID available, gnomAD 0.005%). This variant has not been reported in the literature in individuals affected with QARS-related conditions. ClinVar contains an entry for this variant (Variation ID: 844783). Algorithms developed to predict the effect of missense changes on protein structure and function output the following: SIFT: "Tolerated"; PolyPhen-2: "Benign"; Align-GVGD: "Class C0". The glutamine amino acid residue is found in multiple mammalian species, which suggests that this missense change does not adversely affect protein function. Algorithms developed to predict the effect of sequence changes on RNA splicing suggest that this variant may create or strengthen a splice site. In summary, the available evidence is currently insufficient to determine the role of this variant in disease. Therefore, it has been classified as a Variant of Uncertain Significance.

NM_005051.3(QARS1):c.1727G>A (p.Arg576Gln)

Gene: QARS1 (glutaminyl-tRNA synthetase 1; minus strand). Cytogenetic location: 3p21.31.
Variant type: single nucleotide variant.
Coding change: c.1727G>A on transcript NM_005051.3 (MANE Select); coding-DNA position 1727, G replaced by A.
Protein change: p.Arg576Gln; replaces arginine 576 with glutamine.
Molecular consequence: missense variant. On other transcripts: non-coding transcript variant (1).
Genome position (GRCh38, 1-based): chr3:49,099,141, C>T on the plus strand (G>A on the coding strand, the complement: QARS1 is on the minus strand). VCF-style: chr3-49099141-C-T. GRCh37 (hg19) VCF-style: chr3-49136574-C-T.
Other names: c.1694G>A, p.Arg565Gln (NM_001272073.2); short protein forms R565Q, R576Q.
Identifiers: ClinVar variation 844783 (VCV000844783.4), dbSNP rs983282837, ClinGen allele CA74472843.